The following is an entry in ClinVar:

ClinVar aggregate classification (germline): Uncertain significance. Review status: criteria provided, multiple submitters, no conflicts (2 of 4 stars). 4 submissions from 4 submitters: Uncertain significance (4). Last evaluated 2026-04-21.

Conditions:
Inborn genetic diseases. Identifiers: MedGen C0950123, MeSH D030342.
Charcot-Marie-Tooth disease type 2. Also called: Charcot-Marie-Tooth type 2. Identifiers: Orphanet 64746, MedGen C0270914, MONDO:0018993.

Allele frequency attached by ClinVar (database versions not stated): gnomAD 0.00001; gnomAD exomes 0.00002 and 0.00005; TOPMed 0.00004; ExAC 0.00005; ESP Exome Variant Server 0.00008.
gnomAD v4.1: 70 of 1,613,300 alleles (0.0043%); highest among the groups gnomAD compares: Middle Eastern, 0.016%; no homozygotes.

Submissions (4):

Women's Health and Genetics/Laboratory Corporation of America, LabCorp
Classification: Uncertain significance. Last evaluated: 2026-04-21. Review status: criteria provided, single submitter. Criteria: LabCorp Variant Classification Summary - May 2015. Collection method: clinical testing. Allele origin: germline.
Comment: Variant summary: AARS1 c.2084G>A (p.Arg695Gln) results in a conservative amino acid change in the encoded protein sequence. Algorithms developed to predict the effect of missense changes on protein structure and function are either unavailable or do not agree on the potential impact of this missense change. The variant allele was found at a frequency of 2e-05 in 249028 control chromosomes. The available data on variant occurrences in the general population are insufficient to allow any conclusion about variant significance. To our knowledge, no occurrence of c.2084G>A in individuals affected with AARS1-related conditions and no experimental evidence demonstrating its impact on protein function have been reported. ClinVar contains an entry for this variant (Variation ID: 644284). Based on the evidence outlined above, the variant was classified as uncertain significance.

Labcorp Genetics (formerly Invitae), Labcorp
Classification: Uncertain significance for Charcot-Marie-Tooth disease type 2. Last evaluated: 2025-12-28. Review status: criteria provided, single submitter. Criteria: Invitae Variant Classification Sherloc (09022015). Collection method: clinical testing. Allele origin: germline.
Comment: This sequence change replaces arginine, which is basic and polar, with glutamine, which is neutral and polar, at codon 695 of the AARS protein (p.Arg695Gln). This variant is present in population databases (rs377378009, gnomAD 0.005%). This variant has not been reported in the literature in individuals affected with AARS-related conditions. ClinVar contains an entry for this variant (Variation ID: 644284). Invitae Evidence Modeling of protein sequence and biophysical properties (such as structural, functional, and spatial information, amino acid conservation, physicochemical variation, residue mobility, and thermodynamic stability) has been performed for this missense variant. However, the output from this modeling did not meet the statistical confidence thresholds required to predict the impact of this variant on AARS protein function. In summary, the available evidence is currently insufficient to determine the role of this variant in disease. Therefore, it has been classified as a Variant of Uncertain Significance.

Blueprint Genetics
Classification: Uncertain significance. Last evaluated: 2024-06-24. Review status: criteria provided, single submitter. Criteria: ACMG Guidelines, 2015. Collection method: clinical testing. Allele origin: germline.

Ambry Genetics
Classification: Uncertain significance for Inborn genetic diseases. Last evaluated: 2024-04-26. Review status: criteria provided, single submitter. Criteria: Ambry Variant Classification Scheme 2023. Collection method: clinical testing. Allele origin: germline.

NM_001605.3(AARS1):c.2084G>A (p.Arg695Gln)

Gene: AARS1 (alanyl-tRNA synthetase 1; minus strand). Cytogenetic location: 16q22.1.
Variant type: single nucleotide variant.
Coding change: c.2084G>A on transcript NM_001605.3 (MANE Select); coding-DNA position 2084, G replaced by A.
Protein change: p.Arg695Gln; replaces arginine 695 with glutamine.
Molecular consequence: missense variant.
Genome position (GRCh38, 1-based): chr16:70,258,126, C>T on the plus strand (G>A on the coding strand, the complement: AARS1 is on the minus strand). VCF-style: chr16-70258126-C-T. GRCh37 (hg19) VCF-style: chr16-70292029-C-T.
Other names: short protein forms R695Q.
Identifiers: ClinVar variation 644284 (VCV000644284.14), dbSNP rs377378009, ClinGen allele CA8140570.